The following is an entry in ClinVar:

ClinVar aggregate classification (germline): Uncertain significance (0 of 4 stars; one submission).

Conditions:
IFT172-related disorder. Also called: IFT172-related disorders; IFT172-related condition.

Submission:

PreventionGenetics, part of Exact Sciences
Classification: Uncertain significance for IFT172-related condition. Last evaluated: 2024-04-17. Review status: no assertion criteria provided. Collection method: clinical testing. Allele origin: germline.
Comment: The IFT172 c.3769C>G variant is predicted to result in the amino acid substitution p.Leu1257Val. To our knowledge, this variant has not been reported in the literature or in a large population database, indicating this variant is rare. At this time, the clinical significance of this variant is uncertain due to the absence of conclusive functional and genetic evidence.

NM_015662.3(IFT172):c.3769C>G (p.Leu1257Val)

Genes: IFT172 (intraflagellar transport 172; minus strand), LOC126806173 (BRD4-independent group 4 enhancer GRCh37_chr2:27676057-27677256; plus strand). Cytogenetic location: 2p23.3.
Variant type: single nucleotide variant.
Coding change: c.3769C>G on transcript NM_015662.3 (MANE Select); coding-DNA position 3769, C replaced by G.
Protein change: p.Leu1257Val; replaces leucine 1257 with valine.
Molecular consequence: missense variant.
Genome position (GRCh38, 1-based): chr2:27,453,682, G>C on the plus strand (C>G on the coding strand, the complement: IFT172 is on the minus strand). VCF-style: chr2-27453682-G-C. GRCh37 (hg19) VCF-style: chr2-27676549-G-C.
Other names: c.3703C>G, p.Leu1235Val (NM_001410739.1); short protein forms L1235V, L1257V.
Identifiers: ClinVar variation 3347040 (VCV003347040.1).
Genomic context (GRCh38, chr2:27,453,682, plus strand): 5'-CCTCATACCTGGCCCCCTTCTTAGTAGCTTCCCGCTCATATTCTTCCTGCAGAGCCTCCA[G>C]CTGGCTGGGCACATAGTCCTTGCAGATGCGCAGAGCGTCACTCCATAATCCAGCCTCCTG-3'
Protein context (NP_056477.1, residues 1247-1267): RICKDYVPSQ[Leu1257Val]EALQEEYERE